The following is an entry in ClinVar:

NM_005465.7(AKT3):c.285-149G>A

Gene: AKT3 (AKT serine/threonine kinase 3; minus strand). Cytogenetic location: 1q44.
Variant type: single nucleotide variant.
Coding change: c.285-149G>A on transcript NM_005465.7 (MANE Select); 149 bases into the intron before coding-DNA position 285, G replaced by A.
Molecular consequence: intron variant.
Genome position (GRCh38, 1-based): chr1:243,646,186, C>T on the plus strand (G>A on the coding strand, the complement: AKT3 is on the minus strand). VCF-style: chr1-243646186-C-T. GRCh37 (hg19) VCF-style: chr1-243809488-C-T.
Other names: c.285-149G>A (NM_181690.2, NM_001370074.1, NM_001206729.2).
Identifiers: ClinVar variation 670454 (VCV000670454.1), dbSNP rs115754292, ClinGen allele CA41034437.

ClinVar aggregate classification (germline): Benign (1 of 4 stars; one submission).

Allele frequency attached by ClinVar (database versions not stated): 1000 Genomes Project 30x 0.03435; 1000 Genomes Project 0.03554; TOPMed 0.04804; gnomAD 0.05138 and 0.05193; gnomAD exomes 0.05390.
gnomAD v4.1: 29,119 of 549,664 alleles (5.3%); highest among the groups gnomAD compares: Admixed American, 6.8%; 960 homozygotes.

Submission:

GeneDx
Classification: Benign. Last evaluated: 2018-06-16. Review status: criteria provided, single submitter. Criteria: GeneDx Variant Classification (06012015). Collection method: clinical testing. Allele origin: germline. Affected: yes.
Comment: This variant is considered likely benign or benign based on one or more of the following criteria: it is a conservative change, it occurs at a poorly conserved position in the protein, it is predicted to be benign by multiple in silico algorithms, and/or has population frequency not consistent with disease.